The following is an entry in ClinVar:

ClinVar aggregate classification (germline): Uncertain significance (1 of 4 stars; one submission).

Conditions:
Hereditary cancer-predisposing syndrome. Also called: Neoplastic Syndromes, Hereditary; Tumor predisposition; Hereditary Cancer Syndrome; Hereditary neoplastic syndrome. Identifiers: Orphanet 140162, MedGen C0027672, MeSH D009386, MONDO:0015356.

Submission:

Ambry Genetics
Classification: Uncertain significance for Hereditary cancer-predisposing syndrome. Last evaluated: 2025-09-07. Review status: criteria provided, single submitter. Criteria: Ambry Variant Classification Scheme 2023. Collection method: clinical testing. Allele origin: germline.
Comment: The p.Y462D variant (also known as c.1384T>G), located in coding exon 12 of the SUFU gene, results from a T to G substitution at nucleotide position 1384. The tyrosine at codon 462 is replaced by aspartic acid, an amino acid with highly dissimilar properties. This amino acid position is conserved. In addition, the in silico prediction for this alteration is inconclusive. Based on the available evidence, the clinical significance of this variant remains unclear.

NM_016169.4(SUFU):c.1384T>G (p.Tyr462Asp)

Gene: SUFU (SUFU negative regulator of hedgehog signaling; plus strand). Cytogenetic location: 10q24.32.
Variant type: single nucleotide variant.
Coding change: c.1384T>G on transcript NM_016169.4 (MANE Select); coding-DNA position 1384, T replaced by G.
Protein change: p.Tyr462Asp; replaces tyrosine 462 with aspartic acid.
Molecular consequence: missense variant.
Genome position (GRCh38, 1-based): chr10:102,630,084, T>G. VCF-style: chr10-102630084-T-G. GRCh37 (hg19) VCF-style: chr10-104389841-T-G.
Other names: short protein forms Y462D.
Identifiers: ClinVar variation 4177561 (VCV004177561.1).